The following is an entry in ClinVar:

NM_000169.3(GLA):c.1193_1196del (p.Glu398fs)

Genes: GLA (galactosidase alpha; minus strand), RPL36A-HNRNPH2 (RPL36A-HNRNPH2 readthrough; plus strand). Cytogenetic location: Xq22.1.
Variant type: Deletion.
Coding change: c.1193_1196del on transcript NM_000169.3 (MANE Select); coding-DNA positions 1193 to 1196, 4 bases deleted (AATG; older notation c.1193_1196delAATG).
Protein change: p.Glu398fs; shifts the reading frame from glutamic acid 398.
Molecular consequence: frameshift variant. On other transcripts: non-coding transcript variant (3), intron variant (2).
Genome position (GRCh38, 1-based): chrX:101,397,903-101,397,906, CATT deleted on the plus strand (AATG on the coding strand, the reverse complement: GLA is on the minus strand); deleting any 4 consecutive bases within chrX:101,397,903-101,397,909 gives the same sequence; the c. name uses the placement nearest the transcript's 3' end. VCF-style (leftmost placement, unchanged base first): chrX-101397902-CCATT-C. GRCh37 (hg19) VCF-style: chrX-100652890-CCATT-C.
Other names: c.1316_1319del, p.Glu439fs (NM_001406747.1); c.300+2449_300+2452del (NM_001199973.2); c.177+6084_177+6087del (NM_001199974.2); short protein forms E398fs, E439fs.
Identifiers: ClinVar variation 4087080 (VCV004087080.3), dbSNP rs869312237.
Genomic context (GRCh38, chrX:101,397,902, plus strand): 5'-ATTTTCTAGCTGAAGCAAAACAGTGCCTGTGGGATTTATGTGACTTCTTAACCTTGAAGT[CCATT>C]CATAGAACCCTAGCTTCCTTTTCACAGGGAGGAGCTGTGTGATGAAGCAGGCAGGATTAC-3'

ClinVar aggregate classification (germline): Pathogenic. Review status: criteria provided, multiple submitters, no conflicts (2 of 4 stars). 2 submissions from 2 submitters: Pathogenic (2). Last evaluated 2026-09-08.

Conditions:
Fabry disease. Also called: Fabry's disease; ALPHA-GALACTOSIDASE A DEFICIENCY; ANDERSON-FABRY DISEASE; CERAMIDE TRIHEXOSIDASE DEFICIENCY; GLA DEFICIENCY; HEREDITARY DYSTOPIC LIPIDOSIS. Identifiers: Orphanet 324, MedGen C0002986, MONDO:0010526, OMIM 301500, HP:0001071. Disease mechanism: Fabry disease is due to inactivating mutations in the X-linked GLA gene resulting in deficiency of the enzyme Alpha Galactosidase-A., loss of function.

Submissions (2):

Genomenon, Inc
Classification: Pathogenic for Fabry disease. Last evaluated: 2026-09-08. Review status: criteria provided, single submitter. Criteria: Genomenon Sequence Variant Interpretation Standards - Updated. Collection method: curation. Allele origin: germline. Affected: yes.
Comment: GLA p.Glu398GlyfsTer5 (c.1193_1196del) is a frameshift variant that is predicted to introduce a premature termination codon and result in a truncated or absent protein product. This variant has been observed in at least one proband with clinical features consistent with Fabry disease (PMID:37607539;39990892). Functional or patient cell studies have been reported (PMID:37607539;39990892). It is absent or not present at a significant frequency in gnomAD. In conclusion, we classify GLA p.Glu398GlyfsTer5 (c.1193_1196del) as a pathogenic variant.

Myriad Genetics, Inc.
Classification: Pathogenic for Fabry disease. Last evaluated: 2026-09-04. Review status: criteria provided, single submitter. Criteria: Myriad Autosomal Dominant, Autosomal Recessive and X-Linked Classification Criteria (2023). Collection method: clinical testing. Allele origin: unknown.
Comment: NM_000169.2(GLA):c.1193_1196delAATG(E398Gfs*5) is a frameshift variant classified as pathogenic in the context of Fabry disease. E398Gfs*5 has been observed in a case with relevant disease (PMID: 37607539). Relevant functional assessments of this variant are not available in the literature. E398Gfs*5 has not been observed in referenced population frequency databases. In summary, NM_000169.2(GLA):c.1193_1196delAATG(E398Gfs*5) is a frameshift variant in a gene where loss of function is a known mechanism of disease, is predicted to disrupt protein function, and has been observed more frequently in cases with the relevant disease than in healthy populations. Please note: this variant was assessed in the context of healthy population screening.

Literature cited by the submitters: PubMed 37607539 (cited by Genomenon, Inc and Myriad Genetics, Inc.); PubMed 39990892 (cited by Genomenon, Inc).